The following is an entry in ClinVar:

ClinVar aggregate classification (germline): Uncertain significance. Review status: criteria provided, multiple submitters, no conflicts (2 of 4 stars). 2 submissions from 2 submitters: Uncertain significance (2). Last evaluated 2025-03-15.

Allele frequency attached by ClinVar (database versions not stated): ExAC 0.00006.
gnomAD v4.1: 83 of 1,613,984 alleles (0.0051%); highest among the groups gnomAD compares: Middle Eastern, 0.05%; no homozygotes.

Submissions (2):

Ambry Genetics
Classification: Uncertain significance. Last evaluated: 2025-03-15. Review status: criteria provided, single submitter. Criteria: Ambry Variant Classification Scheme 2023. Collection method: clinical testing. Allele origin: germline.

Labcorp Genetics (formerly Invitae), Labcorp
Classification: Uncertain significance. Last evaluated: 2024-12-29. Review status: criteria provided, single submitter. Criteria: Invitae Variant Classification Sherloc (09022015). Collection method: clinical testing. Allele origin: germline.
Comment: This sequence change replaces methionine, which is neutral and non-polar, with isoleucine, which is neutral and non-polar, at codon 998 of the XPO5 protein (p.Met998Ile). This variant is present in population databases (rs746907635, gnomAD 0.01%). This variant has not been reported in the literature in individuals affected with XPO5-related conditions. ClinVar contains an entry for this variant (Variation ID: 2481835). An algorithm developed to predict the effect of missense changes on protein structure and function (PolyPhen-2) suggests that this variant is likely to be tolerated. In summary, the available evidence is currently insufficient to determine the role of this variant in disease. Therefore, it has been classified as a Variant of Uncertain Significance.

NM_020750.3(XPO5):c.2994G>C (p.Met998Ile)

Genes: POLR1C (RNA polymerase I and III subunit C; plus strand), XPO5 (exportin 5; minus strand). Cytogenetic location: 6p21.1.
Variant type: single nucleotide variant.
Coding change: c.2994G>C on transcript NM_020750.3 (MANE Select); coding-DNA position 2994, G replaced by C.
Protein change: p.Met998Ile; replaces methionine 998 with isoleucine.
Molecular consequence: missense variant. On other transcripts: non-coding transcript variant (1), intron variant (2).
Genome position (GRCh38, 1-based): chr6:43,525,911, C>G on the plus strand (G>C on the coding strand, the complement: XPO5 is on the minus strand). VCF-style: chr6-43525911-C-G. GRCh37 (hg19) VCF-style: chr6-43493649-C-G.
Other names: c.922+4863C>G (NM_001363658.2); c.923-3338C>G (NM_001318876.2); short protein forms M998I.
Identifiers: ClinVar variation 2481835 (VCV002481835.5), dbSNP rs746907635, ClinGen allele CA3825904.